The following is an entry in ClinVar:

NM_025114.4(CEP290):c.7320_7321del (p.Leu2441fs)

Genes: CEP290 (centrosomal protein 290; minus strand), RLIG1 (RNA 5'-phosphate and 3'-OH ligase 1; plus strand). Cytogenetic location: 12q21.32.
Variant type: Microsatellite.
Coding change: c.7320_7321del on transcript NM_025114.4 (MANE Select); coding-DNA positions 7320 to 7321, 2 bases deleted (CT; older notation c.7320_7321delCT).
Protein change: p.Leu2441fs; shifts the reading frame from leucine 2441.
Molecular consequence: frameshift variant. On other transcripts: 3 prime UTR variant (1).
Genome position (GRCh38, 1-based): chr12:88,049,303-88,049,304, AG deleted on the plus strand (CT on the coding strand, the reverse complement: CEP290 is on the minus strand); deleting any 2 consecutive bases within chr12:88,049,303-88,049,307 gives the same sequence; the c. name uses the placement nearest the transcript's 3' end. VCF-style (leftmost placement, unchanged base first): chr12-88049302-AAG-A. GRCh37 (hg19) VCF-style: chr12-88443079-AAG-A.
Other names: c.*882GA[1] (NM_001009894.3); short protein forms L2441fs.
Identifiers: ClinVar variation 3064910 (VCV003064910.3), dbSNP rs2033241849, ClinGen allele CA2695217063.
Genomic context (GRCh38, chr12:88,049,302, plus strand): 5'-GCAACAGGGCTAGTTAATTCAACTCCCAATTGTTCTGAAAGTTTTTTTACCTTCTCTTCT[AAG>A]AGAATATTCTTCTTCACTTCTTCCTTGTAATTATACTTAAGATCTTCAATTTCTTCAAAA-3'

ClinVar aggregate classification (germline): Conflicting classifications of pathogenicity. Review status: criteria provided, conflicting classifications (1 of 4 stars). 3 submissions from 3 submitters: Likely pathogenic (2); Uncertain significance (1). Last evaluated 2024-12-22.

Conditions:
Leber congenital amaurosis 10 (LCA10). Identifiers: Orphanet 65, MedGen C1857821, MONDO:0012723, OMIM 611755.
Leber congenital amaurosis (LCA). Also called: Leber's amaurosis. Identifiers: Orphanet 65, MedGen C0339527, MeSH D057130, MONDO:0018998.
CEP290-related disorder. Also called: CEP290-related disorders; CEP290-related condition. Identifiers: MedGen CN239314.

Submissions (3):

Natera, Inc.
Classification: Likely pathogenic for Leber congenital amaurosis. Last evaluated: 2024-12-22. Review status: criteria provided, single submitter. Criteria: Natera Variant Classification Schema (03/2026). Collection method: clinical testing. Allele origin: germline.
Comment: The c.7320_7321del variant in CEP290 is a frameshift variant predicted to shift the reading frame beginning at codon 2441 and leads to a stop codon 14 codons downstream. This variant is expected to result in nonsense mediated decay, truncation, or a dysfunctional protein product. This variant is rare in the general population with a frequency below the threshold expected for the associated phenotype(s). Given the available evidence, this variant is classified as Likely Pathogenic.

Blueprint Genetics
Classification: Likely pathogenic for CEP290-related disorders. Last evaluated: 2024-11-21. Review status: criteria provided, single submitter. Criteria: ACMG Guidelines, 2015. Collection method: clinical testing. Allele origin: germline. Affected: yes. Observed: 1 variant allele.

Genomic Medicine Center of Excellence, King Faisal Specialist Hospital and Research Centre
Classification: Uncertain significance for Leber congenital amaurosis 10. Last evaluated: 2024-03-25. Review status: criteria provided, single submitter. Criteria: ACMG Guidelines, 2015. Collection method: clinical testing. Allele origin: germline.